The following is an entry in ClinVar:

ClinVar aggregate classification (germline): Uncertain significance (1 of 4 stars; one submission).

Allele frequency attached by ClinVar (database versions not stated): TOPMed below 0.00001.

Submission:

Women's Health and Genetics/Laboratory Corporation of America, LabCorp
Classification: Uncertain significance. Last evaluated: 2022-07-25. Review status: criteria provided, single submitter. Criteria: LabCorp Variant Classification Summary - May 2015. Collection method: clinical testing. Allele origin: germline.
Comment: Variant summary: FBN1 c.248-17C>G alters a nucleotide located close to a canonical splice site and therefore could affect mRNA splicing, leading to a significantly altered protein sequence. 4/4 computational tools predict no significant impact on normal splicing. However, these predictions have yet to be confirmed by functional studies. The variant was absent in 250044 control chromosomes (gnomAD). The available data on variant occurrences in the general population are insufficient to allow any conclusion about variant significance. c.248-17C>G has been reported in the literature in a family affected with abdominal aortic aneurysm. Authors reported the variant did not segregate with disease in the family and assigned a classification of likely benign (van de Luijtgaarden_2015). This report does not provide unequivocal conclusions about association of the variant with Marfan Syndrome. To our knowledge, no experimental evidence demonstrating an impact on protein function has been reported. No clinical diagnostic laboratories have submitted clinical-significance assessments for this variant to ClinVar after 2014. Based on the evidence outlined above, the variant was classified as uncertain significance.

Literature cited by the submitters: PubMed 26017485.

NM_000138.5(FBN1):c.248-17C>G

Gene: FBN1 (fibrillin 1; minus strand). Cytogenetic location: 15q21.1.
Variant type: single nucleotide variant.
Coding change: c.248-17C>G on transcript NM_000138.5 (MANE Select); 17 bases into the intron before coding-DNA position 248, C replaced by G.
Molecular consequence: intron variant.
Genome position (GRCh38, 1-based): chr15:48,610,843, G>C on the plus strand (C>G on the coding strand, the complement: FBN1 is on the minus strand). VCF-style: chr15-48610843-G-C. GRCh37 (hg19) VCF-style: chr15-48903040-G-C.
Identifiers: ClinVar variation 1704482 (VCV001704482.1), dbSNP rs1047176508, ClinGen allele CA270059160.